The following is an entry in ClinVar:

ClinVar aggregate classification (germline): Conflicting classifications of pathogenicity. Review status: criteria provided, conflicting classifications (1 of 4 stars). 7 submissions from 7 submitters: Uncertain significance (6); Likely benign (1). Last evaluated 2025-11-22.

Conditions:
Familial adenomatous polyposis 1 (FAP1). Also called: FAMILIAL ADENOMATOUS POLYPOSIS 1, ATTENUATED; POLYPOSIS, ADENOMATOUS INTESTINAL. Identifiers: MedGen C2713442, MONDO:0021056, OMIM 175100. Disease mechanism: loss of function.
Classic or attenuated familial adenomatous polyposis. Identifiers: MedGen CN372698, MONDO:0021057.
Hereditary cancer-predisposing syndrome. Also called: Hereditary Cancer Syndrome; Neoplastic Syndromes, Hereditary; Hereditary neoplastic syndrome; Tumor predisposition. Identifiers: Orphanet 140162, MedGen C0027672, MeSH D009386, MONDO:0015356.

Allele frequency attached by ClinVar (database versions not stated): gnomAD exomes 0.00001 and 0.00003; gnomAD 0.00002; TOPMed 0.00002.

Submissions (7):

Labcorp Genetics (formerly Invitae), Labcorp
Classification: Uncertain significance for Familial adenomatous polyposis 1. Last evaluated: 2025-11-22. Review status: criteria provided, single submitter. Criteria: Invitae Variant Classification Sherloc (09022015). Collection method: clinical testing. Allele origin: germline.
Comment: This sequence change replaces lysine, which is basic and polar, with asparagine, which is neutral and polar, at codon 2196 of the APC protein (p.Lys2196Asn). This variant is present in population databases (no rsID available, gnomAD 0.007%). This variant has not been reported in the literature in individuals affected with APC-related conditions. ClinVar contains an entry for this variant (Variation ID: 428094). Invitae Evidence Modeling of protein sequence and biophysical properties (such as structural, functional, and spatial information, amino acid conservation, physicochemical variation, residue mobility, and thermodynamic stability) indicates that this missense variant is not expected to disrupt APC protein function with a negative predictive value of 95%. In summary, the available evidence is currently insufficient to determine the role of this variant in disease. Therefore, it has been classified as a Variant of Uncertain Significance.

Ambry Genetics
Classification: Likely benign for Hereditary cancer-predisposing syndrome. Last evaluated: 2025-09-07. Review status: criteria provided, single submitter. Criteria: Ambry Variant Classification Scheme 2023. Collection method: clinical testing. Allele origin: germline.

All of Us Research Program, National Institutes of Health
Classification: Uncertain significance for Classic or attenuated familial adenomatous polyposis. Last evaluated: 2024-09-23. Review status: criteria provided, single submitter. Criteria: ACMG Guidelines, 2015. Collection method: clinical testing. Allele origin: germline. Inheritance: Autosomal dominant inheritance. Observed: 3 variant alleles, 3 heterozygotes.
Comment: This missense variant replaces lysine with asparagine at codon 2196 of the APC protein. Computational prediction suggests that this variant may not impact protein structure and function (internally defined REVEL score threshold <= 0.5, PMID: 27666373). To our knowledge, functional studies have not been reported for this variant. This variant has not been reported in individuals affected with APC-related disorders in the literature. This variant has been identified in 3/248914 chromosomes in the general population by the Genome Aggregation Database (gnomAD). The available evidence is insufficient to determine the role of this variant in disease conclusively. Therefore, this variant is classified as a Variant of Uncertain Significance.

This study involves interpretation of variants in research participants for the purpose of population health screening. Participant phenotype was not available at the time of variant classification. Additional details can be found in publication PMID: 35346344, PMCID: PMC8962531

Institute for Biomarker Research, Medical Diagnostic Laboratories, L.L.C.
Classification: Uncertain significance for Hereditary cancer-predisposing syndrome. Last evaluated: 2024-04-16. Review status: criteria provided, single submitter. Criteria: ACMG Guidelines, 2015. Collection method: clinical testing. Allele origin: germline.

Color Diagnostics, LLC DBA Color Health
Classification: Uncertain significance for Hereditary cancer-predisposing syndrome. Last evaluated: 2024-03-06. Review status: criteria provided, single submitter. Criteria: ACMG Guidelines, 2015. Collection method: clinical testing. Allele origin: germline.
Comment: This missense variant replaces lysine with asparagine at codon 2196 of the APC protein. Computational prediction suggests that this variant may not impact protein structure and function (internally defined REVEL score threshold <= 0.5, PMID: 27666373). To our knowledge, functional studies have not been reported for this variant. This variant has not been reported in individuals affected with APC-related disorders in the literature. This variant has been identified in 3/248914 chromosomes in the general population by the Genome Aggregation Database (gnomAD). The available evidence is insufficient to determine the role of this variant in disease conclusively. Therefore, this variant is classified as a Variant of Uncertain Significance.

GeneDx
Classification: Uncertain significance. Last evaluated: 2023-08-10. Review status: criteria provided, single submitter. Criteria: GeneDx Variant Classification Process June 2021. Collection method: clinical testing. Allele origin: germline. Affected: yes.
Comment: Not observed at significant frequency in large population cohorts (gnomAD); In silico analysis supports that this missense variant does not alter protein structure/function; Has not been previously published as pathogenic or benign to our knowledge

Women's Health and Genetics/Laboratory Corporation of America, LabCorp
Classification: Uncertain significance. Last evaluated: 2021-05-09. Review status: criteria provided, single submitter. Criteria: LabCorp Variant Classification Summary - May 2015. Collection method: clinical testing. Allele origin: germline.
Comment: Variant summary: APC c.6588A>C (p.Lys2196Asn) results in a non-conservative amino acid change in the encoded protein sequence. Three of five in-silico tools predict a damaging effect of the variant on protein function. The variant allele was found at a frequency of 1.2e-05 in 248914 control chromosomes. The available data on variant occurrences in the general population are insufficient to allow any conclusion about variant significance. To our knowledge, no occurrence of c.6588A>C in individuals affected with Familial Adenomatous Polyposis and no experimental evidence demonstrating its impact on protein function have been reported. Three clinical diagnostic laboratories have submitted clinical-significance assessments for this variant to ClinVar after 2014 without evidence for independent evaluation. All laboratories classified the variant as uncertain significance. Based on the evidence outlined above, the variant was classified as uncertain significance.

NM_000038.6(APC):c.6588A>C (p.Lys2196Asn)

Gene: APC (APC regulator of Wnt signaling pathway; plus strand). Cytogenetic location: 5q22.2.
Variant type: single nucleotide variant.
Coding change: c.6588A>C on transcript NM_000038.6 (MANE Select); coding-DNA position 6588, A replaced by C.
Protein change: p.Lys2196Asn; replaces lysine 2196 with asparagine.
Molecular consequence: missense variant.
Genome position (GRCh38, 1-based): chr5:112,842,182, A>C. VCF-style: chr5-112842182-A-C. GRCh37 (hg19) VCF-style: chr5-112177879-A-C.
Other names: c.6588A>C, p.Lys2196Asn (NM_001127510.3, NM_001354895.2); c.6534A>C, p.Lys2178Asn (NM_001127511.3); c.6642A>C, p.Lys2214Asn (NM_001354896.2); c.6618A>C, p.Lys2206Asn (NM_001354897.2); c.6513A>C, p.Lys2171Asn (NM_001354898.2); c.6504A>C, p.Lys2168Asn (NM_001354899.2); c.6465A>C, p.Lys2155Asn (NM_001354900.2); c.6411A>C, p.Lys2137Asn (NM_001354901.2); and 5 more; short protein forms K2178N, K2196N, K2168N, K2171N, K2214N, K2070N, K1913N, K2036N.
Identifiers: ClinVar variation 428094 (VCV000428094.31), dbSNP rs961108427, ClinGen allele CA16035745.